The following is an entry in ClinVar:

ClinVar aggregate classification (germline): Uncertain significance (1 of 4 stars; one submission).

Submission:

Women's Health and Genetics/Laboratory Corporation of America, LabCorp
Classification: Uncertain significance. Last evaluated: 2026-05-30. Review status: criteria provided, single submitter. Criteria: LabCorp Variant Classification Summary - May 2015. Collection method: clinical testing. Allele origin: germline.
Comment: Variant summary: RASA2 c.1808C>T (p.Pro603Leu) results in a non-conservative amino acid change in the encoded protein sequence. Algorithms developed to predict the effect of missense changes on protein structure and function are either unavailable or do not agree on the potential impact of this missense change. The variant was absent in 250216 control chromosomes. The available data on variant occurrences in the general population are insufficient to allow any conclusion about variant significance. To our knowledge, no occurrence of c.1808C>T in individuals affected with RASA2-related conditions and no experimental evidence demonstrating its impact on protein function have been reported. No submitters have cited clinical-significance assessments for this variant to ClinVar. Based on the evidence outlined above, the variant was classified as uncertain significance.

NM_006506.5(RASA2):c.1808C>T (p.Pro603Leu)

Gene: RASA2 (RAS p21 protein activator 2; plus strand). Cytogenetic location: 3q23.
Variant type: single nucleotide variant.
Coding change: c.1808C>T on transcript NM_006506.5 (MANE Select); coding-DNA position 1808, C replaced by T.
Protein change: p.Pro603Leu; replaces proline 603 with leucine.
Molecular consequence: missense variant.
Genome position (GRCh38, 1-based): chr3:141,586,080, C>T. VCF-style: chr3-141586080-C-T. GRCh37 (hg19) VCF-style: chr3-141304922-C-T.
Other names: c.1808C>T, p.Pro603Leu (NM_001303245.3, NM_001303246.3); short protein forms P603L.
Identifiers: ClinVar variation 4852989 (VCV004852989.1).
Genomic context (GRCh38, chr3:141,586,080, plus strand): 5'-TTTAGTTCTTGGATGAAATTTCATCTACTGAAACTAAAGAGTCCAGTGGTACGAGTGAGC[C>T]TGTGCACCTGAAAGAAGGGTAATTTAATCAAATTAGACGTGAAAGTCATATATCAGTATA-3'
Protein context (NP_006497.2, residues 593-613): ETKESSGTSE[Pro603Leu]VHLKEGEMYK